The following is an entry in ClinVar:

ClinVar aggregate classification (germline): Pathogenic. Review status: criteria provided, multiple submitters, no conflicts (2 of 4 stars). 8 submissions from 8 submitters: Pathogenic (7). 1 of the submissions does not count toward it. Last evaluated 2026-06-17.

Conditions:
Autosomal recessive ataxia, Beauce type. Also called: ATAXIA, RECESSIVE, OF BEAUCE; SYNE1-Related Autosomal Recessive Cerebellar Ataxia; Spinocerebellar ataxia, autosomal recessive 8; SYNE1 Deficiency. Identifiers: Orphanet 88644, MedGen C1853116, MONDO:0012549, OMIM 610743.
Emery-Dreifuss muscular dystrophy 4, autosomal dominant (EDMD4). Also called: EMERY-DREIFUSS MUSCULAR DYSTROPHY 4 WITH VARIABLE FEATURES. Identifiers: Orphanet 261, MedGen C2751807, MONDO:0013071, OMIM 612998.
Arthrogryposis multiplex congenita 3, myogenic type. Also called: ARTHROGRYPOSIS MULTIPLEX CONGENITA, MYOGENIC TYPE. Identifiers: MedGen C5193121, MONDO:0032778, OMIM 618484.
SYNE1-related disorder. Also called: SYNE1-related disease; SYNE1-related condition; SYNE1-related disorders.

Allele frequency attached by ClinVar (database versions not stated): TOPMed below 0.00001; gnomAD 0.00001; ExAC 0.00002; gnomAD exomes 0.00003.
gnomAD v4.1: 17 of 1,613,984 alleles (0.0011%); highest among the groups gnomAD compares: Non-Finnish European, 0.0014%; no homozygotes.

Submissions (8):

Women's Health and Genetics/Laboratory Corporation of America, LabCorp
Classification: Pathogenic for Autosomal recessive ataxia, Beauce type. Last evaluated: 2026-06-17. Review status: criteria provided, single submitter. Criteria: LabCorp Variant Classification Summary - May 2015. Collection method: clinical testing. Allele origin: germline.
Comment: Variant summary: SYNE1 c.8716A>T (p.Arg2906X) results in a premature termination codon, predicted to cause a truncation of the encoded protein or absence of the protein due to nonsense mediated decay, which are commonly known mechanisms for disease. Loss-oif-function variants in this gene are known to be pathogenic. The variant allele was found at a frequency of 2.8e-05 in 248530 control chromosomes. c.8716A>T has been observed in compound heterozygous and homozygous genotype in multiple individuals affected with Autosomal recessive ataxia, Beauce type (Gros-Louis_2007, Dupre_2007). These data indicate that the variant is very likely to be associated with disease. To our knowledge, no experimental evidence demonstrating an impact on protein function has been reported. The following publications have been ascertained in the context of this evaluation (PMID: 17503513, 17159980). ClinVar contains an entry for this variant (Variation ID: 2327). Based on the evidence outlined above, the variant was classified as pathogenic.

Revvity Omics, Revvity
Classification: Pathogenic. Last evaluated: 2025-01-15. Review status: criteria provided, single submitter. Criteria: ACMG Guidelines, 2015. Collection method: clinical testing. Allele origin: germline.

Labcorp Genetics (formerly Invitae), Labcorp
Classification: Pathogenic for Emery-Dreifuss muscular dystrophy 4, autosomal dominant; Autosomal recessive ataxia, Beauce type. Last evaluated: 2024-12-05. Review status: criteria provided, single submitter. Criteria: Invitae Variant Classification Sherloc (09022015). Collection method: clinical testing. Allele origin: germline.
Comment: This sequence change creates a premature translational stop signal (p.Arg2906*) in the SYNE1 gene. It is expected to result in an absent or disrupted protein product. Loss-of-function variants in SYNE1 are known to be pathogenic (PMID: 19542096, 24319099, 27086870). This variant is present in population databases (rs119103243, gnomAD 0.006%). This premature translational stop signal has been observed in individual(s) with autosomal recessive spinocerebellar ataxia (PMID: 17159980). ClinVar contains an entry for this variant (Variation ID: 2327). For these reasons, this variant has been classified as Pathogenic.

Blueprint Genetics
Classification: Pathogenic for SYNE1-related disorders. Last evaluated: 2024-11-07. Review status: criteria provided, single submitter. Criteria: ACMG Guidelines, 2015. Collection method: clinical testing. Allele origin: germline. Affected: yes. Observed: 5 variant alleles.

Fulgent Genetics
Classification: Pathogenic for Autosomal recessive ataxia, Beauce type; Emery-Dreifuss muscular dystrophy 4, autosomal dominant; Arthrogryposis multiplex congenita 3, myogenic type. Last evaluated: 2024-01-16. Review status: criteria provided, single submitter. Criteria: ACMG Guidelines, 2015. Collection method: clinical testing. Allele origin: germline.

GeneDx
Classification: Pathogenic. Last evaluated: 2023-06-30. Review status: criteria provided, single submitter. Criteria: GeneDx Variant Classification Process June 2021. Collection method: clinical testing. Allele origin: germline. Affected: yes.
Comment: Nonsense variant predicted to result in protein truncation or nonsense mediated decay in a gene for which loss of function is a known mechanism of disease; Not observed at a significant frequency in large population cohorts (gnomAD); This variant is associated with the following publications: (PMID: 25525159, 27178001, 17159980, 30275942, 23959263, 33397523)

Athena Diagnostics
Classification: Pathogenic. Last evaluated: 2022-07-28. Review status: criteria provided, single submitter. Criteria: Athena Diagnostics Criteria. Collection method: clinical testing. Allele origin: unknown.
Comment: This variant is expected to result in the loss of a functional protein. The frequency of this variant in the general population is consistent with pathogenicity. This variant has been identified in multiple individuals with ataxia with a single recessive pathogenic variant in the same gene, suggesting this variant may also be pathogenic. This variant appears to segregate with disease in at least one family. This variant is also referred to as R2906X in published literature.

OMIM
Classification: Pathogenic for SPINOCEREBELLAR ATAXIA, AUTOSOMAL RECESSIVE 8. Last evaluated: 2007-01-01. Review status: no assertion criteria provided. Collection method: literature only. Allele origin: germline. Not counted in ClinVar's aggregate classification.

Literature cited by the submitters: PubMed 17159980 (cited by 4 submitters); PubMed 17503513 (cited by Women's Health and Genetics/Laboratory Corporation of America, LabCorp); PubMed 19542096 (cited by Labcorp Genetics (formerly Invitae), Labcorp); PubMed 24319099 (cited by Labcorp Genetics (formerly Invitae), Labcorp); PubMed 27086870 (cited by Labcorp Genetics (formerly Invitae), Labcorp); PubMed 23959263 (cited by Athena Diagnostics); PubMed 30275942 (cited by Athena Diagnostics); PubMed 27178001 (cited by Athena Diagnostics).

NM_182961.4(SYNE1):c.8695A>T (p.Arg2899Ter)

Genes: SYNE1 (spectrin repeat containing nuclear envelope protein 1; minus strand), SYNE1-AS1 (SYNE1 antisense RNA 1; plus strand). Cytogenetic location: 6q25.2.
Variant type: single nucleotide variant.
Coding change: c.8695A>T on transcript NM_182961.4 (MANE Select); coding-DNA position 8695, A replaced by T.
Protein change: p.Arg2899Ter; replaces arginine 2899 with a stop codon.
Molecular consequence: nonsense. On other transcripts: non-coding transcript variant (1).
Genome position (GRCh38, 1-based): chr6:152,381,320, T>A on the plus strand (A>T on the coding strand, the complement: SYNE1 is on the minus strand). VCF-style: chr6-152381320-T-A. GRCh37 (hg19) VCF-style: chr6-152702455-T-A.
Other names: c.8716A>T, p.Arg2906Ter (NM_033071.5); short protein forms R2906*, R2899*.
Identifiers: ClinVar variation 2327 (VCV000002327.14), dbSNP rs119103243, ClinGen allele CA252216.